The following is an entry in ClinVar:

ClinVar aggregate classification (germline): Uncertain significance (1 of 4 stars; one submission).

Conditions:
Immunodeficiency 31B. Also called: STAT1 DEFICIENCY, AUTOSOMAL RECESSIVE; IMMUNODEFICIENCY 31B, MYCOBACTERIAL AND VIRAL INFECTIONS, AUTOSOMAL RECESSIVE. Identifiers: Orphanet 391311, MedGen C3151088, MONDO:0013427, OMIM 613796.
Autoimmune enteropathy and endocrinopathy - susceptibility to chronic infections syndrome. Also called: Immunodeficiency 31C, autosomal dominant; Immunodeficiency 31C. Identifiers: Orphanet 391487, MedGen C3279990, MONDO:0013599, OMIM 614162.
Mendelian susceptibility to mycobacterial diseases due to partial STAT1 deficiency. Also called: IMMUNODEFICIENCY 31A, MYCOBACTERIOSIS, AUTOSOMAL DOMINANT; STAT1 DEFICIENCY, AUTOSOMAL DOMINANT; Immunodeficiency 31a. Identifiers: Orphanet 319595, MedGen C4013950, MONDO:0013956, OMIM 614892.

Submission:

Labcorp Genetics (formerly Invitae), Labcorp
Classification: Uncertain significance for Mendelian susceptibility to mycobacterial diseases due to partial STAT1 deficiency; Immunodeficiency 31B; Autoimmune enteropathy and endocrinopathy - susceptibility to chronic infections syndrome. Last evaluated: 2024-05-20. Review status: criteria provided, single submitter. Criteria: Invitae Variant Classification Sherloc (09022015). Collection method: clinical testing. Allele origin: germline.
Comment: This sequence change falls in intron 20 of the STAT1 gene. It does not directly change the encoded amino acid sequence of the STAT1 protein. It affects a nucleotide within the consensus splice site. This variant is not present in population databases (gnomAD no frequency). This variant has not been reported in the literature in individuals affected with STAT1-related conditions. Variants that disrupt the consensus splice site are a relatively common cause of aberrant splicing (PMID: 17576681, 9536098). Algorithms developed to predict the effect of sequence changes on RNA splicing suggest that this variant is not likely to affect RNA splicing. In summary, the available evidence is currently insufficient to determine the role of this variant in disease. Therefore, it has been classified as a Variant of Uncertain Significance.

Literature cited by the submitters: PubMed 17576681; PubMed 9536098.

NM_007315.4(STAT1):c.1727+6G>C

Gene: STAT1 (signal transducer and activator of transcription 1; minus strand). Cytogenetic location: 2q32.2.
Variant type: single nucleotide variant.
Coding change: c.1727+6G>C on transcript NM_007315.4 (MANE Select); 6 bases into the intron after coding-DNA position 1727, G replaced by C.
Molecular consequence: intron variant.
Genome position (GRCh38, 1-based): chr2:190,979,766, C>G on the plus strand (G>C on the coding strand, the complement: STAT1 is on the minus strand). VCF-style: chr2-190979766-C-G. GRCh37 (hg19) VCF-style: chr2-191844492-C-G.
Other names: c.1637+6G>C (NM_001384890.1); c.1628+6G>C (NM_001384883.1); c.1568+6G>C (NM_001384885.1); c.1634+6G>C (NM_001384887.1); c.1667+6G>C (NM_001384880.1); c.1697+6G>C (NM_001384888.1); c.1721+6G>C (NM_001384882.1); c.1727+6G>C (NM_001384889.1, NM_001384886.1, NM_139266.3); and 2 more.
Identifiers: ClinVar variation 2941273 (VCV002941273.3), dbSNP rs761726962, ClinGen allele CA2740096397.